The following is an entry in ClinVar:

NM_000113.3(TOR1A):c.287_288del (p.Leu96fs)

Gene: TOR1A (torsin family 1 member A; minus strand). Cytogenetic location: 9q34.11.
Variant type: Microsatellite.
Coding change: c.287_288del on transcript NM_000113.3 (MANE Select); coding-DNA positions 287 to 288, 2 bases deleted (TC; older notation c.287_288delTC).
Protein change: p.Leu96fs; shifts the reading frame from leucine 96.
Molecular consequence: frameshift variant.
Genome position (GRCh38, 1-based): chr9:129,822,737-129,822,738, GA deleted on the plus strand (TC on the coding strand, the reverse complement: TOR1A is on the minus strand); deleting any 2 consecutive bases within chr9:129,822,737-129,822,741 gives the same sequence; the c. name uses the placement nearest the transcript's 3' end. VCF-style (leftmost placement, unchanged base first): chr9-129822736-TGA-T. GRCh37 (hg19) VCF-style: chr9-132585015-TGA-T.
Other names: short protein forms L96fs.
Identifiers: ClinVar variation 3341475 (VCV003341475.1).

ClinVar aggregate classification (germline): Likely pathogenic (1 of 4 stars; one submission).

Conditions:
Arthrogryposis multiplex congenita 5. Identifiers: MedGen C5436453, MONDO:0100218, OMIM 618947.

Submission:

Neuberg Centre For Genomic Medicine, NCGM
Classification: Likely pathogenic for Arthrogryposis multiplex congenita 5. Last evaluated: 2023-05-20. Review status: criteria provided, single submitter. Criteria: ACMG Guidelines, 2015. Collection method: clinical testing. Allele origin: germline. Inheritance: Autosomal recessive inheritance. Affected: yes.
Comment: The frame shift c.287_288del(p.Leu96HisfsTer31) variant in TOR1A gene has not been reported previously as a pathogenic variant nor as a benign variant, to our knowledge. The observed variant is absent in gnomAD exomes database. This variant has not been submitted to the ClinVar database. This variant causes a frameshift starting with codon Leucine 96, changes this amino acid to Histidine residue, and creates a premature Stop codon at position 31 of the new reading frame, denoted p.Leu96HisfsTer31. This variant is predicted to cause loss of normal protein function through protein truncation. Loss of function variants have been previously reported to be disease causing. For these reasons, this variant has been classified as Likely Pathogenic.